The following is an entry in ClinVar:

ClinVar aggregate classification (germline): Likely pathogenic (1 of 4 stars; one submission).

Conditions:
Kabuki syndrome 1 (KABUK1). Also called: KMT2D-Related Kabuki Syndrome. Identifiers: Orphanet 2322, MedGen CN030661, MONDO:0007843, OMIM 147920.

Submission:

3billion
Classification: Likely pathogenic for Kabuki syndrome 1. Last evaluated: 2025-02-19. Review status: criteria provided, single submitter. Criteria: ACMG Guidelines, 2015. Collection method: clinical testing. Allele origin: germline. Affected: yes.
Comment: The variant is not observed in the gnomAD v4.1.0 dataset. Predicted Consequence/Location: Frameshift: predicted to result in a loss or disruption of normal protein function through nonsense-mediated decay (NMD) or protein truncation. Multiple pathogenic variants are reported downstream of the variant. Therefore, this variant is classified as Likely pathogenic according to the recommendation of ACMG/AMP guideline.

NM_003482.4(KMT2D):c.12933del (p.Ser4312fs)

Gene: KMT2D (lysine methyltransferase 2D; minus strand). Cytogenetic location: 12q13.12.
Variant type: Deletion.
Coding change: c.12933del on transcript NM_003482.4 (MANE Select); coding-DNA position 12933, one base deleted (A; older notation c.12933delA).
Protein change: p.Ser4312fs; shifts the reading frame from serine 4312.
Molecular consequence: frameshift variant.
Genome position (GRCh38, 1-based): chr12:49,031,772, T deleted on the plus strand (A on the coding strand, the reverse complement: KMT2D is on the minus strand). VCF-style (leftmost placement, unchanged base first): chr12-49031771-AT-A. GRCh37 (hg19) VCF-style: chr12-49425554-AT-A.
Other names: short protein forms S4312fs.
Identifiers: ClinVar variation 4292747 (VCV004292747.1).